The following is an entry in ClinVar:

NM_001371623.1(TCOF1):c.3047G>A (p.Gly1016Asp)

Gene: TCOF1 (treacle ribosome biogenesis factor 1; plus strand). Cytogenetic location: 5q32.
Variant type: single nucleotide variant.
Coding change: c.3047G>A on transcript NM_001371623.1 (MANE Select); coding-DNA position 3047, G replaced by A.
Protein change: p.Gly1016Asp; replaces glycine 1016 with aspartic acid.
Molecular consequence: missense variant.
Genome position (GRCh38, 1-based): chr5:150,389,887, G>A. VCF-style: chr5-150389887-G-A. GRCh37 (hg19) VCF-style: chr5-149769450-G-A.
Other names: c.2816G>A, p.Gly939Asp (NM_000356.4, NM_001135245.2); c.3047G>A, p.Gly1016Asp (NM_001135243.2, NM_001135244.2, NM_001195141.2); c.2927G>A, p.Gly976Asp (NM_001437406.1); short protein forms G1016D, G939D, G976D.
Identifiers: ClinVar variation 4988087 (VCV004988087.1).

ClinVar aggregate classification (germline): Uncertain significance (1 of 4 stars; one submission).

Conditions:
TCOF1-related disorder. Also called: TCOF1-related condition.

gnomAD v4.1: 1 of 1,614,104 alleles (0.000062%); highest among the groups gnomAD compares: African/African-American, 0.0013%; no homozygotes.

Submission:

PreventionGenetics, part of Exact Sciences
Classification: Uncertain significance for TCOF1-related condition. Last evaluated: 2025-02-05. Review status: criteria provided, single submitter. Criteria: ACMG Guidelines, 2015. Collection method: clinical testing. Allele origin: germline.
Comment: The TCOF1 c.3047G>A variant is predicted to result in the amino acid substitution p.Gly1016Asp. To our knowledge, this variant has not been reported in the literature or in a large population database (gnomAD), indicating this variant is rare. At this time, the clinical significance of this variant is uncertain due to the absence of conclusive functional and genetic evidence.